The following is an entry in ClinVar:

NM_001270974.2(HYDIN):c.5789-39A>G

Gene: HYDIN (HYDIN axonemal central pair apparatus protein; minus strand). Cytogenetic location: 16q22.2.
Variant type: single nucleotide variant.
Coding change: c.5789-39A>G on transcript NM_001270974.2 (MANE Select); 39 bases into the intron before coding-DNA position 5789, A replaced by G.
Molecular consequence: intron variant.
Genome position (GRCh38, 1-based): chr16:70,962,177, T>C on the plus strand (A>G on the coding strand, the complement: HYDIN is on the minus strand). VCF-style: chr16-70962177-T-C. GRCh37 (hg19) VCF-style: chr16-70996080-T-C.
Identifiers: ClinVar variation 3027478 (VCV003027478.2), dbSNP rs1412280987, ClinGen allele CA623578611.
Genomic context (GRCh38, chr16:70,962,177, plus strand): 5'-GATGAGGTTATATCTTCCTCTTCTGCCAGGTAGCAAAGGATGAAAACACCAGGGGAAGAG[T>C]TGGGAGGGGGACAAGGGAGATGGAGGCAGAAAAGGAAAAAAAAAGATGAAGAAGAGATTC-3'

ClinVar aggregate classification (germline): Conflicting classifications of pathogenicity. Review status: criteria provided, conflicting classifications (1 of 4 stars). 2 submissions from 2 submitters: Likely pathogenic (1); Uncertain significance (1). Last evaluated 2026-04-22.

Conditions:
Primary ciliary dyskinesia 5. Also called: CILIARY DYSKINESIA, PRIMARY, 5, WITHOUT SITUS INVERSUS. Identifiers: Orphanet 244, MedGen C1837615, MONDO:0012088, OMIM 608647.

Submissions (2):

The Research Institute of Tuberculosis, Japan Anti-Tuberculosis Association
Classification: Likely pathogenic for Primary ciliary dyskinesia 5. Last evaluated: 2026-04-22. Review status: criteria provided, single submitter. Criteria: ACMG Guidelines, 2015. Collection method: research. Allele origin: germline. Inheritance: Autosomal recessive inheritance. Affected: yes.
Comment: Classification derived from Franklin (Genoox) summary and internal review. ACMG/AMP guidelines were applied for SNV/indel interpretation. Final classification: Likely pathogenic. Analysis of RNA transcripts from a nasal mucosal specimen demonstrated loss of normal splicing and generation of an aberrantly spliced transcript associated with this variant, predicted to disrupt gene function by a frameshift (PMID:39805680), supporting PS3. This variant is absent or present at extremely low frequency in population databases (gnomAD: exome 0; genome 0), supporting PM2. Evidence (ACMG/AMP codes): PS3, PM2, BP7. ClinVar submissions: UNCERTAIN | 1 submitters | RCV003886340.2.

Royal Brompton Clinical Genetics And Genomics Laboratory, NHS South East Genomic Laboratory Hub
Classification: Uncertain significance for Primary ciliary dyskinesia 5. Last evaluated: 2024-03-06. Review status: criteria provided, single submitter. Criteria: RBHT-CGGL ClinVar Assertion Criteria. Collection method: clinical testing. Allele origin: germline. Affected: yes. Observed: 1 variant allele.

Literature cited by the submitters: PubMed 39805680 (cited by The Research Institute of Tuberculosis, Japan Anti-Tuberculosis Association).